The following is an entry in ClinVar:

ClinVar aggregate classification (germline): Uncertain significance. Review status: criteria provided, multiple submitters, no conflicts (2 of 4 stars). 2 submissions from 2 submitters: Uncertain significance (2). Last evaluated 2023-04-12.

Allele frequency attached by ClinVar (database versions not stated): gnomAD exomes below 0.00001; TOPMed 0.00001; gnomAD 0.00002.
gnomAD v4.1: 4 of 1,549,748 alleles (0.00026%); highest among the groups gnomAD compares: African/African-American, 0.0027%; no homozygotes.

Submissions (2):

Labcorp Genetics (formerly Invitae), Labcorp
Classification: Uncertain significance. Last evaluated: 2023-04-12. Review status: criteria provided, single submitter. Criteria: Invitae Variant Classification Sherloc (09022015). Collection method: clinical testing. Allele origin: germline.
Comment: This sequence change replaces glycine, which is neutral and non-polar, with aspartic acid, which is acidic and polar, at codon 1271 of the ZNF469 protein (p.Gly1271Asp). This variant is present in population databases (no rsID available, gnomAD 0.006%). In summary, the available evidence is currently insufficient to determine the role of this variant in disease. Therefore, it has been classified as a Variant of Uncertain Significance. Algorithms developed to predict the effect of missense changes on protein structure and function output the following: SIFT: "Not Available"; PolyPhen-2: "Benign"; Align-GVGD: "Not Available". The aspartic acid amino acid residue is found in multiple mammalian species, which suggests that this missense change does not adversely affect protein function. ClinVar contains an entry for this variant (Variation ID: 2429703). This variant has not been reported in the literature in individuals affected with ZNF469-related conditions.

GeneDx
Classification: Uncertain significance. Last evaluated: 2022-08-10. Review status: criteria provided, single submitter. Criteria: GeneDx Variant Classification Process June 2021. Collection method: clinical testing. Allele origin: germline. Affected: yes.
Comment: Not observed at significant frequency in large population cohorts (gnomAD); In silico analysis supports that this missense variant does not alter protein structure/function; Has not been previously published as pathogenic or benign to our knowledge

NM_001367624.2(ZNF469):c.3896G>A (p.Gly1299Asp)

Gene: ZNF469 (zinc finger protein 469; plus strand). Cytogenetic location: 16q24.2.
Variant type: single nucleotide variant.
Coding change: c.3896G>A on transcript NM_001367624.2 (MANE Select); coding-DNA position 3896, G replaced by A.
Protein change: p.Gly1299Asp; replaces glycine 1299 with aspartic acid.
Molecular consequence: missense variant.
Genome position (GRCh38, 1-based): chr16:88,431,366, G>A. VCF-style: chr16-88431366-G-A. GRCh37 (hg19) VCF-style: chr16-88497774-G-A.
Other names: NM_001127464.1:c.3812G>A; short protein forms G1299D.
Identifiers: ClinVar variation 2429703 (VCV002429703.4), dbSNP rs1363403007, ClinGen allele CA397087771.